The following is an entry in ClinVar:

ClinVar aggregate classification (germline): Uncertain significance (0 of 4 stars; one submission).

Conditions:
NEDD4L-related disorder. Also called: NEDD4L-related condition.

Submission:

PreventionGenetics, part of Exact Sciences
Classification: Uncertain significance for NEDD4L-related condition. Last evaluated: 2024-05-16. Review status: no assertion criteria provided. Collection method: clinical testing. Allele origin: germline.
Comment: The NEDD4L c.2732G>C variant is predicted to result in the amino acid substitution p.Gly911Ala. To our knowledge, this variant has not been reported in the literature or in a large population database, indicating this variant is rare. At this time, the clinical significance of this variant is uncertain due to the absence of conclusive functional and genetic evidence.

NM_001144967.3(NEDD4L):c.2792G>C (p.Gly931Ala)

Gene: NEDD4L (NEDD4 like E3 ubiquitin protein ligase; plus strand). Cytogenetic location: 18q21.31.
Variant type: single nucleotide variant.
Coding change: c.2792G>C on transcript NM_001144967.3 (MANE Select); coding-DNA position 2792, G replaced by C.
Protein change: p.Gly931Ala; replaces glycine 931 with alanine.
Molecular consequence: missense variant.
Genome position (GRCh38, 1-based): chr18:58,391,526, G>C. VCF-style: chr18-58391526-G-C. GRCh37 (hg19) VCF-style: chr18-56058758-G-C.
Other names: c.2429G>C, p.Gly810Ala (NM_001144964.1, NM_001144965.2, NM_001144966.3); c.2768G>C, p.Gly923Ala (NM_001144968.2); c.2708G>C, p.Gly903Ala (NM_001144969.2); c.2369G>C, p.Gly790Ala (NM_001144970.3, NM_001144971.2); c.2600G>C, p.Gly867Ala (NM_001243960.2); c.2732G>C, p.Gly911Ala (NM_015277.6); short protein forms G790A, G810A, G867A, G903A, G911A, G923A, G931A.
Identifiers: ClinVar variation 3357214 (VCV003357214.1).